The following is an entry in ClinVar:

NM_001368397.1(FRMPD4):c.3364G>A (p.Gly1122Arg)

Gene: FRMPD4 (FERM and PDZ domain containing 4; plus strand). Cytogenetic location: Xp22.2.
Variant type: single nucleotide variant.
Coding change: c.3364G>A on transcript NM_001368397.1 (MANE Select); coding-DNA position 3364, G replaced by A.
Protein change: p.Gly1122Arg; replaces glycine 1122 with arginine.
Molecular consequence: missense variant.
Genome position (GRCh38, 1-based): chrX:12,718,190, G>A. VCF-style: chrX-12718190-G-A. GRCh37 (hg19) VCF-style: chrX-12736309-G-A.
Other names: c.3475G>A, p.Gly1159Arg (NM_001368395.3, NM_001368398.3); c.3370G>A, p.Gly1124Arg (NM_001368396.3); c.3355G>A, p.Gly1119Arg (NM_001368399.3); c.3244G>A, p.Gly1082Arg (NM_001368400.3); c.3340G>A, p.Gly1114Arg (NM_001368401.1, NM_001368402.3); c.3364G>A, p.Gly1122Arg (NM_014728.3); short protein forms G1082R, G1114R, G1119R, G1122R, G1124R, G1159R.
Identifiers: ClinVar variation 1306491 (VCV001306491.2), dbSNP rs2147175827, ClinGen allele CA412319160.

ClinVar aggregate classification (germline): Uncertain significance (1 of 4 stars; one submission).

Submission:

GeneDx
Classification: Uncertain significance. Last evaluated: 2019-07-11. Review status: criteria provided, single submitter. Criteria: GeneDx Variant Classification Process June 2021. Collection method: clinical testing. Allele origin: germline. Affected: yes.
Comment: Not observed in large population cohorts (Lek et al., 2016); In silico analysis, which includes protein predictors and evolutionary conservation, supports a deleterious effect; Has not been previously published as pathogenic or benign to our knowledge